The following is an entry in ClinVar:

ClinVar aggregate classification (germline): Uncertain significance (1 of 4 stars; one submission).

Conditions:
Rhabdoid tumor predisposition syndrome 2 (RTPS2). Identifiers: Orphanet 231108, Orphanet 69077, MedGen C2750074, MONDO:0013224, OMIM 613325.

Submission:

Labcorp Genetics (formerly Invitae), Labcorp
Classification: Uncertain significance for Rhabdoid tumor predisposition syndrome 2. Last evaluated: 2020-11-25. Review status: criteria provided, single submitter. Criteria: Invitae Variant Classification Sherloc (09022015). Collection method: clinical testing. Allele origin: germline.
Comment: This sequence change replaces serine with threonine at codon 1469 of the SMARCA4 protein (p.Ser1469Thr). The serine residue is moderately conserved and there is a small physicochemical difference between serine and threonine. This variant is not present in population databases (ExAC no frequency). This variant has not been reported in the literature in individuals with SMARCA4-related conditions. Algorithms developed to predict the effect of missense changes on protein structure and function (SIFT, PolyPhen-2, Align-GVGD) all suggest that this variant is likely to be tolerated, but these predictions have not been confirmed by published functional studies and their clinical significance is uncertain. In summary, the available evidence is currently insufficient to determine the role of this variant in disease. Therefore, it has been classified as a Variant of Uncertain Significance.

NM_003072.5(SMARCA4):c.4310G>C (p.Ser1437Thr)

Gene: SMARCA4 (SWI/SNF related BAF chromatin remodeling complex subunit ATPase 4; plus strand). Cytogenetic location: 19p13.2.
Variant type: single nucleotide variant.
Coding change: c.4310G>C on transcript NM_003072.5 (MANE Select); coding-DNA position 4310, G replaced by C.
Protein change: p.Ser1437Thr; replaces serine 1437 with threonine.
Molecular consequence: missense variant. On other transcripts: non-coding transcript variant (1).
Genome position (GRCh38, 1-based): chr19:11,041,446, G>C. VCF-style: chr19-11041446-G-C. GRCh37 (hg19) VCF-style: chr19-11152122-G-C.
Other names: c.4310G>C, p.Ser1437Thr (NM_001128844.3); c.4220G>C, p.Ser1407Thr (NM_001128845.2, NM_001128846.2); c.4211G>C, p.Ser1404Thr (NM_001128847.4, NM_001128848.2, NM_001374457.1); c.4406G>C, p.Ser1469Thr (NM_001128849.3, NM_001387283.1); short protein forms S1404T, S1469T, S1407T, S1437T.
Identifiers: ClinVar variation 1464785 (VCV001464785.8), dbSNP rs1402031100, ClinGen allele CA404073775.